The following is an entry in ClinVar:

ClinVar aggregate classification (germline): Uncertain significance (1 of 4 stars; one submission).

Submission:

Labcorp Genetics (formerly Invitae), Labcorp
Classification: Uncertain significance. Last evaluated: 2025-08-29. Review status: criteria provided, single submitter. Criteria: Invitae Variant Classification Sherloc (09022015). Collection method: clinical testing. Allele origin: germline.
Comment: This sequence change falls in intron 6 of the SETD5 gene. It does not directly change the encoded amino acid sequence of the SETD5 protein. It affects a nucleotide within the consensus splice site. This variant is not present in population databases (gnomAD no frequency). This variant has not been reported in the literature in individuals affected with SETD5-related conditions. Variants that disrupt the consensus splice site are a relatively common cause of aberrant splicing (PMID: 17576681, 9536098). Algorithms developed to predict the effect of sequence changes on RNA splicing suggest that this variant is not likely to affect RNA splicing. In summary, the available evidence is currently insufficient to determine the role of this variant in disease. Therefore, it has been classified as a Variant of Uncertain Significance.

Literature cited by the submitters: PubMed 17576681; PubMed 9536098.

NM_001080517.3(SETD5):c.388+6C>A

Gene: SETD5 (SET domain containing 5; plus strand). Cytogenetic location: 3p25.3.
Variant type: single nucleotide variant.
Coding change: c.388+6C>A on transcript NM_001080517.3 (MANE Select); 6 bases into the intron after coding-DNA position 388, C replaced by A.
Molecular consequence: intron variant.
Genome position (GRCh38, 1-based): chr3:9,434,888, C>A. VCF-style: chr3-9434888-C-A. GRCh37 (hg19) VCF-style: chr3-9476572-C-A.
Other names: c.388+6C>A (NM_001437643.1, NM_001437701.1); c.55+6C>A (NM_001349451.2, NM_001292043.2); c.445+6C>A (NM_001437633.1, NM_001437635.1).
Identifiers: ClinVar variation 4726185 (VCV004726185.1).